The following is an entry in ClinVar:

ClinVar aggregate classification (germline): Uncertain significance. Review status: criteria provided, multiple submitters, no conflicts (2 of 4 stars). 2 submissions from 2 submitters: Uncertain significance (2). Last evaluated 2024-04-24.

Conditions:
Wilson disease (WND). Also called: Wilson's disease. Identifiers: Orphanet 905, MedGen C0019202, MONDO:0010200, OMIM 277900. Disease mechanism: loss of function.

Submissions (2):

Revvity Omics, Revvity
Classification: Uncertain significance for Wilson disease. Last evaluated: 2024-04-24. Review status: criteria provided, single submitter. Criteria: ACMG Guidelines, 2015. Collection method: clinical testing. Allele origin: germline.

Labcorp Genetics (formerly Invitae), Labcorp
Classification: Uncertain significance for Wilson disease. Last evaluated: 2022-02-14. Review status: criteria provided, single submitter. Criteria: Invitae Variant Classification Sherloc (09022015). Collection method: clinical testing. Allele origin: germline.
Comment: This sequence change replaces glycine, which is neutral and non-polar, with aspartic acid, which is acidic and polar, at codon 367 of the ATP7B protein (p.Gly367Asp). This variant is not present in population databases (gnomAD no frequency). This variant has not been reported in the literature in individuals affected with ATP7B-related conditions. Advanced modeling of protein sequence and biophysical properties (such as structural, functional, and spatial information, amino acid conservation, physicochemical variation, residue mobility, and thermodynamic stability) performed at Invitae indicates that this missense variant is expected to disrupt ATP7B protein function. In summary, the available evidence is currently insufficient to determine the role of this variant in disease. Therefore, it has been classified as a Variant of Uncertain Significance.

NM_000053.4(ATP7B):c.1100G>A (p.Gly367Asp)

Gene: ATP7B (ATPase copper transporting beta; minus strand). Cytogenetic location: 13q14.3.
Variant type: single nucleotide variant.
Coding change: c.1100G>A on transcript NM_000053.4 (MANE Select); coding-DNA position 1100, G replaced by A.
Protein change: p.Gly367Asp; replaces glycine 367 with aspartic acid.
Molecular consequence: missense variant. On other transcripts: intron variant (1).
Genome position (GRCh38, 1-based): chr13:51,974,120, C>T on the plus strand (G>A on the coding strand, the complement: ATP7B is on the minus strand). VCF-style: chr13-51974120-C-T. GRCh37 (hg19) VCF-style: chr13-52548256-C-T.
Other names: c.1100G>A, p.Gly367Asp (NM_001406522.1, NM_001406523.1, NM_001406524.1 and 29 more transcripts); c.1004G>A, p.Gly335Asp (NM_001406530.1, NM_001406517.1, NM_001406518.1 and 3 more transcripts); c.803-36G>A (NM_001243182.2); short protein forms G335D, G367D.
Identifiers: ClinVar variation 2159677 (VCV002159677.2), dbSNP rs1951984080, ClinGen allele CA388039034.